The following is an entry in ClinVar:

NM_001360.3(DHCR7):c.719A>G (p.Asn240Ser)

Gene: DHCR7 (7-dehydrocholesterol reductase; minus strand). Cytogenetic location: 11q13.4.
Variant type: single nucleotide variant.
Coding change: c.719A>G on transcript NM_001360.3 (MANE Select); coding-DNA position 719, A replaced by G.
Protein change: p.Asn240Ser; replaces asparagine 240 with serine.
Molecular consequence: missense variant.
Genome position (GRCh38, 1-based): chr11:71,438,991, T>C on the plus strand (A>G on the coding strand, the complement: DHCR7 is on the minus strand). VCF-style: chr11-71438991-T-C. GRCh37 (hg19) VCF-style: chr11-71150037-T-C.
Other names: c.719A>G, p.Asn240Ser (NM_001163817.2); short protein forms N240S.
Identifiers: ClinVar variation 445437 (VCV000445437.54), dbSNP rs148609143, ClinGen allele CA6162481.

ClinVar aggregate classification (germline): Uncertain significance. Review status: criteria provided, multiple submitters, no conflicts (2 of 4 stars). 14 submissions from 14 submitters: Uncertain significance (12). 2 of the submissions do not count toward it. Last evaluated 2025-11-12.

Conditions:
Inborn genetic diseases. Identifiers: MedGen C0950123, MeSH D030342.
Smith-Lemli-Opitz syndrome (SLOS). Also called: LETHAL ACRODYSGENITAL SYNDROME; 7-Dehydrocholesterol reductase deficiency; POLYDACTYLY, SEX REVERSAL, RENAL HYPOPLASIA, AND UNILOBAR LUNG; RSH SYNDROME; RUTLEDGE LETHAL MULTIPLE CONGENITAL ANOMALY SYNDROME. Identifiers: Orphanet 818, MedGen C0175694, MONDO:0010035, OMIM 270400.
DHCR7-related disorder. Also called: DHCR7-related condition.

Allele frequency attached by ClinVar (database versions not stated): ExAC 0.00016; gnomAD exomes 0.00016 and 0.00025; gnomAD 0.00018 and 0.00019; TOPMed 0.00019; ESP Exome Variant Server 0.00038.
gnomAD v4.1: 399 of 1,614,108 alleles (0.025%); highest among the groups gnomAD compares: Non-Finnish European, 0.031%; no homozygotes.

Submissions (15):

Women's Health and Genetics/Laboratory Corporation of America, LabCorp
Classification: Uncertain significance. Last evaluated: 2025-11-12. Review status: criteria provided, single submitter. Criteria: LabCorp Variant Classification Summary - May 2015. Collection method: clinical testing. Allele origin: germline.
Comment: Variant summary: DHCR7 c.719A>G (p.Asn240Ser) results in a conservative amino acid change in the encoded protein sequence. Algorithms developed to predict the effect of missense changes on protein structure and function are either unavailable or do not agree on the potential impact of this missense change. The variant allele was found at a frequency of 0.00016 in 251374 control chromosomes. This frequency is not significantly higher than estimated for disease-causing variants in DHCR7, allowing no conclusion about variant significance. c.719A>G has been reported in the literature in one individual affected with Cardiac defect (Hauser_2018). The report does not provide unequivocal conclusions about association of the variant with Smith-Lemli-Opitz Syndrome. To our knowledge, no experimental evidence demonstrating an impact on protein function has been reported. The following publications have been ascertained in the context of this evaluation (PMID: 24813812, 29368431). ClinVar contains an entry for this variant (Variation ID: 445437). Based on the evidence outlined above, the variant was classified as uncertain significance.

GeneDx
Classification: Uncertain significance. Last evaluated: 2025-08-28. Review status: criteria provided, single submitter. Criteria: GeneDx Variant Classification Process June 2021. Collection method: clinical testing. Allele origin: germline. Affected: yes.
Comment: In silico analysis supports that this missense variant has a deleterious effect on protein structure/function; Has not been previously published as pathogenic or benign to our knowledge; This variant is associated with the following publications: (PMID: 23603282, 24813812)

Blueprint Genetics
Classification: Uncertain significance. Last evaluated: 2024-09-09. Review status: criteria provided, single submitter. Criteria: ACMG Guidelines, 2015. Collection method: clinical testing. Allele origin: germline.

Department of Pathology and Laboratory Medicine, Sinai Health System
Classification: Uncertain significance for Smith-Lemli-Opitz syndrome. Last evaluated: 2023-05-27. Review status: criteria provided, single submitter. Criteria: ACMG Guidelines, 2015. Collection method: research. Allele origin: germline.

CeGaT Center for Human Genetics Tuebingen
Classification: Uncertain significance. Last evaluated: 2023-01-01. Review status: criteria provided, single submitter. Criteria: CeGaT Center For Human Genetics Tuebingen Variant Classification Criteria Version 2. Collection method: clinical testing. Allele origin: germline. Affected: yes. Observed: 1 variant allele.
Comment: DHCR7: PP3

Labcorp Genetics (formerly Invitae), Labcorp
Classification: Uncertain significance for Smith-Lemli-Opitz syndrome. Last evaluated: 2022-06-20. Review status: criteria provided, single submitter. Criteria: Invitae Variant Classification Sherloc (09022015). Collection method: clinical testing. Allele origin: germline.
Comment: This sequence change replaces asparagine, which is neutral and polar, with serine, which is neutral and polar, at codon 240 of the DHCR7 protein (p.Asn240Ser). This variant is present in population databases (rs148609143, gnomAD 0.03%). This variant has not been reported in the literature in individuals affected with DHCR7-related conditions. ClinVar contains an entry for this variant (Variation ID: 445437). Advanced modeling of protein sequence and biophysical properties (such as structural, functional, and spatial information, amino acid conservation, physicochemical variation, residue mobility, and thermodynamic stability) performed at Invitae indicates that this missense variant is expected to disrupt DHCR7 protein function. In summary, the available evidence is currently insufficient to determine the role of this variant in disease. Therefore, it has been classified as a Variant of Uncertain Significance.

Revvity Omics, Revvity
Classification: Uncertain significance for Smith-Lemli-Opitz syndrome. Last evaluated: 2022-06-03. Review status: criteria provided, single submitter. Criteria: ACMG Guidelines, 2015. Collection method: clinical testing. Allele origin: germline.

Greenwood Genetic Center Diagnostic Laboratories, Greenwood Genetic Center
Classification: Uncertain significance. Last evaluated: 2021-08-09. Review status: criteria provided, single submitter. Criteria: ACMG Guidelines, 2015. Collection method: clinical testing. Allele origin: germline. Affected: yes.
Comment: PP3, PM2

Fulgent Genetics
Classification: Uncertain significance for Smith-Lemli-Opitz syndrome. Last evaluated: 2018-10-31. Review status: criteria provided, single submitter. Criteria: ACMG Guidelines, 2015. Collection method: clinical testing. Allele origin: unknown.

Eurofins Ntd Llc (ga)
Classification: Uncertain significance. Last evaluated: 2018-06-14. Review status: criteria provided, single submitter. Criteria: EGL ClinVar v180209 classification definitions. Collection method: clinical testing. Allele origin: germline. Observed: 1 variant allele, 1 heterozygote.

Ambry Genetics
Classification: Uncertain significance for Inborn genetic diseases. Last evaluated: 2018-01-24. Review status: criteria provided, single submitter. Criteria: Ambry Variant Classification Scheme 2023. Collection method: clinical testing. Allele origin: germline.
Comment: The p.N240S variant (also known as c.719A>G), located in coding exon 5 of the DHCR7 gene, results from an A to G substitution at nucleotide position 719. The asparagine at codon 240 is replaced by serine, an amino acid with highly similar properties. In one study that aimed to determine the allele carrier frequency of Smith-Lemli-Opitz syndrome (SLOS), this variant was identified in the ESP population database cohort (Cross JL et al. Clin. Genet., 2015 Jun;87:570-5). This amino acid position is highly conserved in available vertebrate species. In addition, the in silico prediction for this alteration is inconclusive. Since supporting evidence is limited at this time, the clinical significance of this variant remains unclear.

Center for Pediatric Genomic Medicine, Children's Mercy Hospital and Clinics
Classification: Uncertain significance. Last evaluated: 2017-05-08. Review status: criteria provided, single submitter. Criteria: ACMG Guidelines, 2015. Collection method: clinical testing. Allele origin: germline.

PreventionGenetics, part of Exact Sciences
Classification: Uncertain significance for DHCR7-related condition. Last evaluated: 2024-05-09. Review status: no assertion criteria provided. Collection method: clinical testing. Allele origin: germline. Not counted in ClinVar's aggregate classification.
Comment: The DHCR7 c.719A>G variant is predicted to result in the amino acid substitution p.Asn240Ser. This variant has been reported in a carrier study of the DHCR7 gene (Cross et al. 2015. PubMed ID: 24813812); however, to our knowledge, this variant has not been reported in individuals with Smith-Lemli-Opitz syndrome. This variant is reported in 0.029% of alleles in individuals of European (Non-Finnish) descent in gnomAD. At this time, the clinical significance of this variant is uncertain due to the absence of conclusive functional and genetic evidence.

Natera, Inc.
Classification: Uncertain significance for Smith-Lemli-Opitz syndrome. Last evaluated: 2018-05-11. Review status: no assertion criteria provided. Collection method: clinical testing. Allele origin: germline. Not counted in ClinVar's aggregate classification.

Dr. Peter K. Rogan Lab, Western University
No classification provided (evidence only). Condition: Melanoma. Review status: no classification provided. Collection method: in vitro. Allele origin: not applicable. Functional consequence: retained intron. Not counted in ClinVar's aggregate classification.

Literature cited by the submitters: PubMed 29368431 (cited by Women's Health and Genetics/Laboratory Corporation of America, LabCorp); PubMed 24813812 (cited by Women's Health and Genetics/Laboratory Corporation of America, LabCorp and Ambry Genetics).